The following is an entry in ClinVar:

ClinVar aggregate classification (germline): Pathogenic (1 of 4 stars; one submission).

Conditions:
Retinoblastoma (RB1). Also called: RETINOBLASTOMA, SOMATIC. Identifiers: Orphanet 790, MedGen C0035335, MeSH D012175, MONDO:0008380, OMIM 180200, HP:0009919. Disease mechanism: loss of function. Inheritance: Both sporadic and heritable forms are tested..

Submission:

Labcorp Genetics (formerly Invitae), Labcorp
Classification: Pathogenic for Retinoblastoma. Last evaluated: 2018-11-21. Review status: criteria provided, single submitter. Criteria: Invitae Variant Classification Sherloc (09022015). Collection method: clinical testing. Allele origin: germline.
Comment: For these reasons, this variant has been classified as Pathogenic. Loss-of-function variants in RB1 are known to be pathogenic (PMID: 17096365). This variant has not been reported in the literature in individuals with RB1-related disease. This variant is not present in population databases (ExAC no frequency). This sequence change creates a premature translational stop signal (p.Ile711Asnfs*10) in the RB1 gene. It is expected to result in an absent or disrupted protein product.

Literature cited by the submitters: PubMed 17096365.

NM_000321.3(RB1):c.2131dup (p.Ile711fs)

Gene: RB1 (RB transcriptional corepressor 1; plus strand). Cytogenetic location: 13q14.2.
Variant type: Duplication.
Coding change: c.2131dup on transcript NM_000321.3 (MANE Select); coding-DNA position 2131, one base duplicated (A; older notation c.2131dupA).
Protein change: p.Ile711fs; shifts the reading frame from isoleucine 711.
Molecular consequence: frameshift variant.
Genome position (GRCh38, 1-based): chr13:48,463,755, A duplicated. VCF-style (leftmost placement, unchanged base first): chr13-48463754-C-CA. GRCh37 (hg19) VCF-style: chr13-49037890-C-CA.
Other names: c.2131dupA (NM_000321.2); short protein forms I711fs.
Identifiers: ClinVar variation 645440 (VCV000645440.6), dbSNP rs1593538155, ClinGen allele CA915948566.
Genomic context (GRCh38, chr13:48,463,754, plus strand): 5'-AAAATTCTGACTACTTTTACATCAATTTATTTACTAGATTATGATGTGTTCCATGTATGG[C>CA]ATATGCAAAGTGAAGAATATAGACCTTAAATTCAAAATCATTGTAACAGCATACAAGGAT-3'